The following is an entry in ClinVar:

NM_001321759.2(CDIN1):c.531C>T (p.Asn177=)

Gene: CDIN1 (CDAN1 interacting nuclease 1; plus strand). Cytogenetic location: 15q14.
Variant type: single nucleotide variant.
Coding change: c.531C>T on transcript NM_001321759.2 (MANE Select); coding-DNA position 531, C replaced by T.
Protein change: p.Asn177=; no amino-acid change (asparagine 177 retained).
Molecular consequence: synonymous variant.
Genome position (GRCh38, 1-based): chr15:36,697,377, C>T. VCF-style: chr15-36697377-C-T. GRCh37 (hg19) VCF-style: chr15-36989578-C-T.
Other names: c.531C>T, p.Asn177= (NM_001130010.3, NM_001290233.2, NM_001321760.2 and 1 more transcripts); c.237C>T, p.Asn79= (NM_001290232.2, NM_001321756.2, NM_032499.6); c.162C>T, p.Asn54= (NM_001321757.2); c.420C>T, p.Asn140= (NM_001321758.2).
Identifiers: ClinVar variation 257535 (VCV000257535.34), dbSNP rs117638434, ClinGen allele CA7468919.

ClinVar aggregate classification (germline): Benign. Review status: criteria provided, multiple submitters, no conflicts (2 of 4 stars). 4 submissions from 4 submitters: Benign (4). Last evaluated 2026-07-01.

Allele frequency attached by ClinVar (database versions not stated): 1000 Genomes Project 30x 0.00359; 1000 Genomes Project 0.00439; TOPMed 0.00698; ESP Exome Variant Server 0.00960; gnomAD 0.01025 and 0.01066.
gnomAD v4.1: 19,489 of 1,611,544 alleles (1.2%); highest among the groups gnomAD compares: Non-Finnish European, 1.4%; 178 homozygotes.

Submissions (4):

CeGaT Center for Human Genetics Tuebingen
Classification: Benign. Last evaluated: 2026-07-01. Review status: criteria provided, single submitter. Criteria: CeGaT Center For Human Genetics Tuebingen Variant Classification Criteria Version 2. Collection method: clinical testing. Allele origin: germline. Affected: yes. Observed: 2 variant alleles.
Comment: CDIN1: BP4, BP7, BS1, BS2

Labcorp Genetics (formerly Invitae), Labcorp
Classification: Benign. Last evaluated: 2026-02-02. Review status: criteria provided, single submitter. Criteria: Invitae Variant Classification Sherloc (09022015). Collection method: clinical testing. Allele origin: germline.

Breakthrough Genomics
Classification: Benign. Review status: criteria provided, single submitter. Criteria: ACMG Guidelines, 2015. Collection method: not provided. Allele origin: germline. Inheritance: Autosomal recessive inheritance. Affected: yes.

PreventionGenetics, part of Exact Sciences
Classification: Benign. Review status: criteria provided, single submitter. Criteria: ACMG Guidelines, 2015. Collection method: clinical testing. Allele origin: germline.